The following is an entry in ClinVar:

NM_030665.4(RAI1):c.1137C>T (p.Thr379=)

Gene: RAI1 (retinoic acid induced 1; plus strand). Cytogenetic location: 17p11.2.
Variant type: single nucleotide variant.
Coding change: c.1137C>T on transcript NM_030665.4 (MANE Select); coding-DNA position 1137, C replaced by T.
Protein change: p.Thr379=; no amino-acid change (threonine 379 retained).
Molecular consequence: synonymous variant.
Genome position (GRCh38, 1-based): chr17:17,794,085, C>T. VCF-style: chr17-17794085-C-T. GRCh37 (hg19) VCF-style: chr17-17697399-C-T.
Other names: c.1137C>T (NM_030665.3).
Identifiers: ClinVar variation 2196726 (VCV002196726.5), dbSNP rs780860899, ClinGen allele CA8418277.

ClinVar aggregate classification (germline): Likely benign. Review status: criteria provided, multiple submitters, no conflicts (2 of 4 stars). 2 submissions from 2 submitters: Likely benign (2). Last evaluated 2026-08-12.

Conditions:
RAI1-related disorder. Also called: RAI1-related condition.

Allele frequency attached by ClinVar (database versions not stated): ExAC 0.00002; gnomAD 0.00002; TOPMed 0.00002.
gnomAD v4.1: 32 of 1,614,066 alleles (0.002%); highest among the groups gnomAD compares: African/African-American, 0.0027%; no homozygotes.

Submissions (2):

PreventionGenetics, part of Exact Sciences
Classification: Likely benign for RAI1-related condition. Last evaluated: 2026-08-12. Review status: criteria provided, single submitter. Criteria: ACMG Guidelines, 2015. Collection method: clinical testing. Allele origin: germline.
Comment: This variant is classified as likely benign based on ACMG/AMP sequence variant interpretation guidelines (Richards et al. 2015 PMID: 25741868, with internal and published modifications).

Labcorp Genetics (formerly Invitae), Labcorp
Classification: Likely benign. Last evaluated: 2025-02-02. Review status: criteria provided, single submitter. Criteria: Invitae Variant Classification Sherloc (09022015). Collection method: clinical testing. Allele origin: germline.